The following is an entry in ClinVar:

NM_000352.6(ABCC8):c.4366A>G (p.Ile1456Val)

Gene: ABCC8 (ATP binding cassette subfamily C member 8; minus strand). Cytogenetic location: 11p15.1.
Variant type: single nucleotide variant.
Coding change: c.4366A>G on transcript NM_000352.6 (MANE Select); coding-DNA position 4366, A replaced by G.
Protein change: p.Ile1456Val; replaces isoleucine 1456 with valine.
Molecular consequence: missense variant. On other transcripts: non-coding transcript variant (1).
Genome position (GRCh38, 1-based): chr11:17,395,217, T>C on the plus strand (A>G on the coding strand, the complement: ABCC8 is on the minus strand). VCF-style: chr11-17395217-T-C. GRCh37 (hg19) VCF-style: chr11-17416764-T-C.
Other names: c.4369A>G, p.Ile1457Val (NM_001287174.3); c.4432A>G, p.Ile1478Val (NM_001351295.2); c.4366A>G, p.Ile1456Val (NM_001351296.2); c.4363A>G, p.Ile1455Val (NM_001351297.2); short protein forms I1455V, I1456V, I1457V, I1478V.
Identifiers: ClinVar variation 878825 (VCV000878825.5), dbSNP rs1953847411, ClinGen allele CA379785372.
Genomic context (GRCh38, chr11:17,395,217, plus strand): 5'-GCCAGGAGTAGTTACCGAGGCCTCCTGGCAGTGCCTTCACCACCAGCTTCAGCTGGGCGA[T>C]TTCCAGGGCCTCCCACAGTGTGCTATCTGAGCACTTCCTCTCAGGGTCCAGGTTAAATCT-3'
Protein context (NP_000343.2, residues 1446-1466): SDSTLWEALE[Ile1456Val]AQLKLVVKAL

ClinVar aggregate classification (germline): Uncertain significance. Review status: criteria provided, multiple submitters, no conflicts (2 of 4 stars). 5 submissions from 2 submitters: Uncertain significance (5). Last evaluated 2018-01-13.

Conditions:
Transitory neonatal diabetes mellitus. Also called: Transient neonatal diabetes mellitus. Identifiers: MedGen C0342273, MONDO:0020525, HP:0008255.
Maturity-onset diabetes of the young (MODY). Also called: Maturity onset diabetes mellitus in young. Identifiers: Orphanet 552, MedGen C0342276, MONDO:0018911, HP:0004904.
Diabetes mellitus, transient neonatal, 2 (TNDM2). Identifiers: Orphanet 99886, MedGen C1835887, MONDO:0012480, OMIM 610374. Disease mechanism: loss of function.
Hyperinsulinemic hypoglycemia, familial, 1 (HHF1). Also called: Persistent hyperinsulinemic hypoglycemia of infancy; Persistent Hyperinsulinemia Hypoglycemia of Infancy; HYPERINSULINISM, FAMILIAL, WITH PANCREATIC NESIDIOBLASTOSIS; HYPOGLYCEMIA, HYPERINSULINEMIC, OF INFANCY; NESIDIOBLASTOSIS OF PANCREAS. Identifiers: Orphanet 276575, Orphanet 276598, MedGen C2931832, MONDO:0009734, OMIM 256450.
Permanent neonatal diabetes mellitus (PNDM). Identifiers: Orphanet 99885, MedGen C1833104, MONDO:0100164, MONDO:0011643. Disease mechanism: gain of function.

Submissions (5):

Illumina Laboratory Services, Illumina
Classification: Uncertain significance for Diabetes mellitus, transient neonatal, 2. Last evaluated: 2018-01-13. Review status: criteria provided, single submitter. Criteria: ICSL Variant Classification Criteria 13 December 2019. Collection method: clinical testing. Allele origin: germline.

Illumina Laboratory Services, Illumina
Classification: Uncertain significance for Permanent neonatal diabetes mellitus 1. Last evaluated: 2018-01-13. Review status: criteria provided, single submitter. Criteria: ICSL Variant Classification Criteria 13 December 2019. Collection method: clinical testing. Allele origin: germline.

Illumina Laboratory Services, Illumina
Classification: Uncertain significance for Hyperinsulinemic hypoglycemia, familial, 1. Last evaluated: 2018-01-13. Review status: criteria provided, single submitter. Criteria: ICSL Variant Classification Criteria 13 December 2019. Collection method: clinical testing. Allele origin: germline.

Clinical Genomics, Uppaluri K&H Personalized Medicine Clinic
Classification: Uncertain significance for Transitory neonatal diabetes mellitus. Review status: criteria provided, single submitter. Criteria: K & H Uppaluri Personalized Medicine Clinic Variant Classification & Assertion Criteria_Updated V.1. Collection method: research. Allele origin: somatic. Inheritance: Somatic mutation.
Comment: Mutations in ABCC8 gene are associated with both neonatal diabetes mellitus as well as MODY. Patients with this mutation may have a better response to sulfonylureas. However, no sufficient evidence is found to ascertain the role of this particular variant (rs1953847411) in neonatal diabetes yet.

Clinical Genomics, Uppaluri K&H Personalized Medicine Clinic
Classification: Uncertain significance for Maturity-onset diabetes of the young. Review status: criteria provided, single submitter. Criteria: K & H Uppaluri Personalized Medicine Clinic Variant Classification & Assertion Criteria_Updated V.1. Collection method: research. Allele origin: somatic. Inheritance: Somatic mutation.
Comment: Mutations in ABCC8 gene are associated with both neonatal diabetes mellitus as well as MODY. Patients with this mutation may have a better response to sulfonylureas. However, no sufficient evidence is found to ascertain the role of this particular variant (rs1953847411) in MODY yet.

Literature cited by the submitters: PubMed 16885549 (cited by Clinical Genomics, Uppaluri K&H Personalized Medicine Clinic); PubMed 21989597 (cited by Clinical Genomics, Uppaluri K&H Personalized Medicine Clinic); PubMed 27538677 (cited by Clinical Genomics, Uppaluri K&H Personalized Medicine Clinic); PubMed 18981553 (cited by Clinical Genomics, Uppaluri K&H Personalized Medicine Clinic); PubMed 32027066 (cited by Clinical Genomics, Uppaluri K&H Personalized Medicine Clinic); PubMed 16613899 (cited by Clinical Genomics, Uppaluri K&H Personalized Medicine Clinic); PubMed 18025408 (cited by Clinical Genomics, Uppaluri K&H Personalized Medicine Clinic); PubMed 32792356 (cited by Clinical Genomics, Uppaluri K&H Personalized Medicine Clinic).